The following is an entry in ClinVar:

ClinVar aggregate classification (germline): Uncertain significance (1 of 4 stars; one submission).

Submission:

Labcorp Genetics (formerly Invitae), Labcorp
Classification: Uncertain significance. Last evaluated: 2024-10-23. Review status: criteria provided, single submitter. Criteria: Invitae Variant Classification Sherloc (09022015). Collection method: clinical testing. Allele origin: germline.
Comment: This sequence change replaces serine, which is neutral and polar, with phenylalanine, which is neutral and non-polar, at codon 1265 of the DCHS1 protein (p.Ser1265Phe). This variant is not present in population databases (gnomAD no frequency). This variant has not been reported in the literature in individuals affected with DCHS1-related conditions. Invitae Evidence Modeling of protein sequence and biophysical properties (such as structural, functional, and spatial information, amino acid conservation, physicochemical variation, residue mobility, and thermodynamic stability) indicates that this missense variant is not expected to disrupt DCHS1 protein function with a negative predictive value of 80%. In summary, the available evidence is currently insufficient to determine the role of this variant in disease. Therefore, it has been classified as a Variant of Uncertain Significance.

NM_003737.4(DCHS1):c.3794C>T (p.Ser1265Phe)

Gene: DCHS1 (dachsous cadherin-related 1; minus strand). Cytogenetic location: 11p15.4.
Variant type: single nucleotide variant.
Coding change: c.3794C>T on transcript NM_003737.4 (MANE Select); coding-DNA position 3794, C replaced by T.
Protein change: p.Ser1265Phe; replaces serine 1265 with phenylalanine.
Molecular consequence: missense variant.
Genome position (GRCh38, 1-based): chr11:6,631,189, G>A on the plus strand (C>T on the coding strand, the complement: DCHS1 is on the minus strand). VCF-style: chr11-6631189-G-A. GRCh37 (hg19) VCF-style: chr11-6652420-G-A.
Other names: short protein forms S1265F.
Identifiers: ClinVar variation 3665442 (VCV003665442.2).